The following is an entry in ClinVar:

NM_002474.3(MYH11):c.5743G>C (p.Glu1915Gln)

Genes: MYH11 (myosin heavy chain 11; minus strand), NDE1 (nudE neurodevelopment protein 1; plus strand). Cytogenetic location: 16p13.11.
Variant type: single nucleotide variant.
Coding change: c.5743G>C on transcript NM_002474.3 (MANE Select); coding-DNA position 5743, G replaced by C.
Protein change: p.Glu1915Gln; replaces glutamic acid 1915 with glutamine.
Molecular consequence: missense variant. On other transcripts: intron variant (2).
Genome position (GRCh38, 1-based): chr16:15,714,952, C>G on the plus strand (G>C on the coding strand, the complement: MYH11 is on the minus strand). VCF-style: chr16-15714952-C-G. GRCh37 (hg19) VCF-style: chr16-15808809-C-G.
Other names: c.5764G>C, p.Glu1922Gln (NM_001040113.2, NM_001040114.2); c.5743G>C, p.Glu1915Gln (NM_022844.3); c.948-9239C>G (NM_001143979.2, NM_017668.3); short protein forms E1915Q, E1922Q.
Identifiers: ClinVar variation 4758693 (VCV004758693.1).

ClinVar aggregate classification (germline): Uncertain significance (1 of 4 stars; one submission).

Conditions:
Familial thoracic aortic aneurysm and aortic dissection (TAAD). Also called: Thoracic aortic aneurysms and dissections. Identifiers: Orphanet 91387, MedGen C4707243, MONDO:0019625.

Submission:

Color Diagnostics, LLC DBA Color Health
Classification: Uncertain significance for Familial thoracic aortic aneurysm and aortic dissection. Last evaluated: 2025-05-30. Review status: criteria provided, single submitter. Criteria: ACMG Guidelines, 2015. Collection method: clinical testing. Allele origin: germline.
Comment: This missense variant replaces glutamic acid with glutamine at codon 1922 of the MYH11 protein. Computational prediction is inconclusive regarding the impact of this variant on protein structure and function. To our knowledge, functional studies have not been reported for this variant. This variant has not been reported in individuals affected with MYH11-related disorders in the literature. This variant has not been identified in the general population by the Genome Aggregation Database (gnomAD). The available evidence is insufficient to determine the role of this variant in disease conclusively. Therefore, this variant is classified as a Variant of Uncertain Significance.